The following is an entry in ClinVar:

NM_001371986.1(UNC80):c.3199C>T (p.Arg1067Cys)

Gene: UNC80 (unc-80 subunit of NALCN channel complex; plus strand). Cytogenetic location: 2q34.
Variant type: single nucleotide variant.
Coding change: c.3199C>T on transcript NM_001371986.1 (MANE Select); coding-DNA position 3199, C replaced by T.
Protein change: p.Arg1067Cys; replaces arginine 1067 with cysteine.
Molecular consequence: missense variant.
Genome position (GRCh38, 1-based): chr2:209,839,379, C>T. VCF-style: chr2-209839379-C-T. GRCh37 (hg19) VCF-style: chr2-210704103-C-T.
Other names: c.3199C>T, p.Arg1067Cys (NM_032504.2); c.3184C>T, p.Arg1062Cys (NM_182587.4); c.3199C>T (NM_032504.1); short protein forms R1062C, R1067C.
Identifiers: ClinVar variation 1444361 (VCV001444361.7), dbSNP rs1345335772, ClinGen allele CA350412399.

ClinVar aggregate classification (germline): Uncertain significance. Review status: criteria provided, multiple submitters, no conflicts (2 of 4 stars). 2 submissions from 2 submitters: Uncertain significance (2). Last evaluated 2025-08-03.

Conditions:
Inborn genetic diseases. Identifiers: MedGen C0950123, MeSH D030342.

Allele frequency attached by ClinVar (database versions not stated): TOPMed 0.00001; gnomAD exomes 0.00002 and 0.00003.
gnomAD v4.1: 28 of 1,551,990 alleles (0.0018%); highest among the groups gnomAD compares: East Asian, 0.022%; no homozygotes.

Submissions (2):

Ambry Genetics
Classification: Uncertain significance for Inborn genetic diseases. Last evaluated: 2025-08-03. Review status: criteria provided, single submitter. Criteria: Ambry Variant Classification Scheme 2023. Collection method: clinical testing. Allele origin: germline.

Labcorp Genetics (formerly Invitae), Labcorp
Classification: Uncertain significance. Last evaluated: 2022-02-05. Review status: criteria provided, single submitter. Criteria: Invitae Variant Classification Sherloc (09022015). Collection method: clinical testing. Allele origin: germline.
Comment: This sequence change replaces arginine, which is basic and polar, with cysteine, which is neutral and slightly polar, at codon 1067 of the UNC80 protein (p.Arg1067Cys). This variant is present in population databases (no rsID available, gnomAD 0.01%). This variant has not been reported in the literature in individuals affected with UNC80-related conditions. Algorithms developed to predict the effect of missense changes on protein structure and function are either unavailable or do not agree on the potential impact of this missense change (SIFT: "Not Available"; PolyPhen-2: "Probably Damaging"; Align-GVGD: "Not Available"). In summary, the available evidence is currently insufficient to determine the role of this variant in disease. Therefore, it has been classified as a Variant of Uncertain Significance.